The following is an entry in ClinVar:

ClinVar aggregate classification (germline): Pathogenic/Likely pathogenic. Review status: criteria provided, multiple submitters, no conflicts (2 of 4 stars). 4 submissions from 4 submitters: Pathogenic (2); Likely pathogenic (2). Last evaluated 2025-08-29.

Conditions:
Hypophosphatasia. Also called: Phosphoethanol-aminuria. Identifiers: Orphanet 436, MedGen C0020630, MeSH D007014, MONDO:0018570.

gnomAD v4.1: 2 of 1,613,936 alleles (0.00012%); highest among the groups gnomAD compares: Non-Finnish European, 0.00017%; no homozygotes.

Submissions (4):

Genomenon, Inc
Classification: Likely pathogenic for Hypophosphatasia. Last evaluated: 2025-08-29. Review status: criteria provided, single submitter. Criteria: Genomenon Sequence Variant Interpretation Standards. Collection method: curation. Allele origin: germline. Affected: yes.
Comment: ALPL c.361G>A is a missense variant that changes the amino acid at residue 121 from Valine to Methionine. This variant has been observed in at least one proband affected with hypophosphatasia (PMID:30655187). The variant was found to segregate with disease in at least one affected family (PMID:30655187). It is absent or not present at a significant frequency in gnomAD. In silico models agree that this variant is possibly or probably damaging. In conclusion, we classify ALPL p.Val121Met (c.361G>A) as a likely pathogenic variant.

Women's Health and Genetics/Laboratory Corporation of America, LabCorp
Classification: Pathogenic for Hypophosphatasia. Last evaluated: 2025-03-03. Review status: criteria provided, single submitter. Criteria: LabCorp Variant Classification Summary - May 2015. Collection method: clinical testing. Allele origin: germline.
Comment: Variant summary: ALPL c.361G>A (p.Val121Met) results in a conservative amino acid change in the encoded protein sequence. Four of five in-silico tools predict a damaging effect of the variant on protein function. The variant was absent in 251114 control chromosomes. c.361G>A has been reported in the literature in multiple compound heterozygous and heterozygous individuals affected with Hypophosphatasia (e.g., Lefever_2020). These data indicate that the variant is very likely to be associated with disease. To our knowledge, no experimental evidence demonstrating an impact on protein function has been reported. The following publication has been ascertained in the context of this evaluation (PMID: 30655187). ClinVar contains an entry for this variant (Variation ID: 1334794). Based on the evidence outlined above, the variant was classified as pathogenic.

Labcorp Genetics (formerly Invitae), Labcorp
Classification: Pathogenic. Last evaluated: 2024-03-16. Review status: criteria provided, single submitter. Criteria: Invitae Variant Classification Sherloc (09022015). Collection method: clinical testing. Allele origin: germline.
Comment: This sequence change replaces valine, which is neutral and non-polar, with methionine, which is neutral and non-polar, at codon 121 of the ALPL protein (p.Val121Met). This variant is not present in population databases (gnomAD no frequency). This missense change has been observed in individual(s) with hypophosphatasia (PMID: 30655187). In at least one individual the data is consistent with being in trans (on the opposite chromosome) from a pathogenic variant. It has also been observed to segregate with disease in related individuals. ClinVar contains an entry for this variant (Variation ID: 1334794). Advanced modeling of protein sequence and biophysical properties (such as structural, functional, and spatial information, amino acid conservation, physicochemical variation, residue mobility, and thermodynamic stability) performed at Invitae indicates that this missense variant is expected to disrupt ALPL protein function with a positive predictive value of 95%. For these reasons, this variant has been classified as Pathogenic.

JKU Lab, Dept of Paediatrics, Johannes Kepler University
Classification: Likely pathogenic for Hypophosphatasia. Last evaluated: 2021-12-13. Review status: criteria provided, single submitter. Criteria: ACMG Guidelines, 2015. Collection method: clinical testing. Allele origin: germline. Affected: yes. Observed: 1 heterozygote, 1 compound heterozygote.
Comment: This variant is absent from large population studies. Functional studies performed at the JKU Hoegler lab showed reduced ALPL activity. ACMG Criteria used for classification: PS3_Sup, PM2_sup, PP2_sup, PP3_Sup, PP4_mod.

Literature cited by the submitters: PubMed 30655187 (cited by 4 submitters).

NM_000478.6(ALPL):c.361G>A (p.Val121Met)

Gene: ALPL (alkaline phosphatase, biomineralization associated; plus strand). Cytogenetic location: 1p36.12.
Variant type: single nucleotide variant.
Coding change: c.361G>A on transcript NM_000478.6 (MANE Select); coding-DNA position 361, G replaced by A.
Protein change: p.Val121Met; replaces valine 121 with methionine.
Molecular consequence: missense variant.
Genome position (GRCh38, 1-based): chr1:21,563,173, G>A. VCF-style: chr1-21563173-G-A. GRCh37 (hg19) VCF-style: chr1-21889666-G-A.
Other names: c.130G>A, p.Val44Met (NM_001177520.3); c.361G>A, p.Val121Met (NM_001369803.2, NM_001369804.2, NM_001369805.2); c.196G>A, p.Val66Met (NM_001127501.4); short protein forms V121M, V44M, V66M.
Identifiers: ClinVar variation 1334794 (VCV001334794.6), dbSNP rs1476072388, ClinGen allele CA338877177.
Genomic context (GRCh38, chr1:21,563,173, plus strand): 5'-TACAACACCAATGCCCAGGTCCCTGACAGTGCCGGCACCGCCACCGCCTACCTGTGTGGG[G>A]TGAAGGCCAATGAGGGCACCGTGGGGGTAAGCGCAGCCACTGAGCGTTCCCGGTGCAACA-3'
Protein context (NP_000469.3, residues 111-131): AGTATAYLCG[Val121Met]KANEGTVGVS